The following is an entry in ClinVar:

ClinVar aggregate classification (germline): Benign/Likely benign. Review status: criteria provided, multiple submitters, no conflicts (2 of 4 stars). 3 submissions from 3 submitters: Benign (1); Likely benign (2). Last evaluated 2025-04-30.

Conditions:
Hereditary cancer-predisposing syndrome. Also called: Hereditary Cancer Syndrome; Tumor predisposition; Neoplastic Syndromes, Hereditary; Hereditary neoplastic syndrome. Identifiers: Orphanet 140162, MedGen C0027672, MeSH D009386, MONDO:0015356.
Tuberous sclerosis 2 (TSC2). Identifiers: Orphanet 805, MedGen C1860707, MONDO:0013199, OMIM 613254.

Submissions (3):

Myriad Genetics, Inc.
Classification: Benign for Tuberous sclerosis 2. Last evaluated: 2025-04-30. Review status: criteria provided, single submitter. Criteria: Myriad Autosomal Dominant, Autosomal Recessive and X-Linked Classification Criteria (2023). Collection method: clinical testing. Allele origin: unknown.
Comment: This variant is considered benign. This variant is a silent/synonymous amino acid change and it is not expected to impact splicing.

Labcorp Genetics (formerly Invitae), Labcorp
Classification: Likely benign for Tuberous sclerosis 2. Last evaluated: 2025-04-29. Review status: criteria provided, single submitter. Criteria: Invitae Variant Classification Sherloc (09022015). Collection method: clinical testing. Allele origin: germline.

Ambry Genetics
Classification: Likely benign for Hereditary cancer-predisposing syndrome. Last evaluated: 2023-02-03. Review status: criteria provided, single submitter. Criteria: Ambry Variant Classification Scheme 2023. Collection method: clinical testing. Allele origin: germline.

NM_000548.5(TSC2):c.126G>C (p.Ala42=)

Gene: TSC2 (TSC complex subunit 2; plus strand). Cytogenetic location: 16p13.3.
Variant type: single nucleotide variant.
Coding change: c.126G>C on transcript NM_000548.5 (MANE Select); coding-DNA position 126, G replaced by C.
Protein change: p.Ala42=; no amino-acid change (alanine 42 retained).
Molecular consequence: synonymous variant. On other transcripts: 5 prime UTR variant (1), intron variant (1).
Genome position (GRCh38, 1-based): chr16:2,048,741, G>C. VCF-style: chr16-2048741-G-C. GRCh37 (hg19) VCF-style: chr16-2098742-G-C.
Other names: c.126G>C, p.Ala42= (NM_001077183.3, NM_001114382.3, NM_001318827.2 and 4 more transcripts); c.-101G>C (NM_001318831.2); c.159G>C, p.Ala53= (NM_001318832.2); c.-10+676G>C (NM_001318829.2); c.126G>C (NM_000548.3).
Identifiers: ClinVar variation 1595307 (VCV001595307.10), dbSNP rs886043548, ClinGen allele CA492954587.